The following is an entry in ClinVar:

NM_004104.5(FASN):c.4522G>A (p.Asp1508Asn)

Gene: FASN (fatty acid synthase; minus strand). Cytogenetic location: 17q25.3.
Variant type: single nucleotide variant.
Coding change: c.4522G>A on transcript NM_004104.5 (MANE Select); coding-DNA position 4522, G replaced by A.
Protein change: p.Asp1508Asn; replaces aspartic acid 1508 with asparagine.
Molecular consequence: missense variant.
Genome position (GRCh38, 1-based): chr17:82,084,841, C>T on the plus strand (G>A on the coding strand, the complement: FASN is on the minus strand). VCF-style: chr17-82084841-C-T. GRCh37 (hg19) VCF-style: chr17-80042717-C-T.
Other names: short protein forms D1508N.
Identifiers: ClinVar variation 531042 (VCV000531042.10), dbSNP rs375080347, ClinGen allele CA8852028.

ClinVar aggregate classification (germline): Uncertain significance (1 of 4 stars; one submission).

Conditions:
Epileptic encephalopathy. Identifiers: MedGen C0543888, HP:0200134.

Allele frequency attached by ClinVar (database versions not stated): gnomAD 0.00005; ESP Exome Variant Server 0.00008; TOPMed 0.00003; ExAC 0.00005; gnomAD exomes 0.00004.
gnomAD v4.1: 24 of 1,550,292 alleles (0.0015%); highest among the groups gnomAD compares: African/African-American, 0.0082%; no homozygotes.

Submission:

Labcorp Genetics (formerly Invitae), Labcorp
Classification: Uncertain significance for Epileptic encephalopathy. Last evaluated: 2022-03-19. Review status: criteria provided, single submitter. Criteria: Invitae Variant Classification Sherloc (09022015). Collection method: clinical testing. Allele origin: germline.
Comment: In summary, the available evidence is currently insufficient to determine the role of this variant in disease. Therefore, it has been classified as a Variant of Uncertain Significance. Algorithms developed to predict the effect of missense changes on protein structure and function are either unavailable or do not agree on the potential impact of this missense change (SIFT: "Tolerated"; PolyPhen-2: "Possibly Damaging"; Align-GVGD: "Class C0"). ClinVar contains an entry for this variant (Variation ID: 531042). This variant has not been reported in the literature in individuals affected with FASN-related conditions. This variant is present in population databases (rs375080347, gnomAD 0.03%). This sequence change replaces aspartic acid, which is acidic and polar, with asparagine, which is neutral and polar, at codon 1508 of the FASN protein (p.Asp1508Asn).